The following is an entry in ClinVar:

NM_002834.5(PTPN11):c.1657A>T (p.Thr553Ser)

Gene: PTPN11 (protein tyrosine phosphatase non-receptor type 11; plus strand). Cytogenetic location: 12q24.13.
Variant type: single nucleotide variant.
Coding change: c.1657A>T on transcript NM_002834.5 (MANE Select); coding-DNA position 1657, A replaced by T.
Protein change: p.Thr553Ser; replaces threonine 553 with serine.
Molecular consequence: missense variant.
Genome position (GRCh38, 1-based): chr12:112,502,201, A>T. VCF-style: chr12-112502201-A-T. GRCh37 (hg19) VCF-style: chr12-112940005-A-T.
Other names: c.1669A>T, p.Thr557Ser (NM_001330437.2); c.1654A>T, p.Thr552Ser (NM_001374625.1); short protein forms T553S, T557S, T552S.
Identifiers: ClinVar variation 2840589 (VCV002840589.3), dbSNP rs2540476848, ClinGen allele CA386783386.

ClinVar aggregate classification (germline): Uncertain significance (1 of 4 stars; one submission).

Conditions:
RASopathy. Also called: Noonan spectrum disorder; rasopathies. Identifiers: Orphanet 536391, MedGen C5555857, MONDO:0021060.

gnomAD v4.1: 1 of 1,613,994 alleles (0.000062%); highest among the groups gnomAD compares: South Asian, 0.0011%; no homozygotes.

Submission:

Labcorp Genetics (formerly Invitae), Labcorp
Classification: Uncertain significance for RASopathy. Last evaluated: 2023-11-24. Review status: criteria provided, single submitter. Criteria: Invitae Variant Classification Sherloc (09022015). Collection method: clinical testing. Allele origin: germline.
Comment: This sequence change replaces threonine, which is neutral and polar, with serine, which is neutral and polar, at codon 553 of the PTPN11 protein (p.Thr553Ser). This variant is not present in population databases (gnomAD no frequency). This variant has not been reported in the literature in individuals affected with PTPN11-related conditions. Advanced modeling of protein sequence and biophysical properties (such as structural, functional, and spatial information, amino acid conservation, physicochemical variation, residue mobility, and thermodynamic stability) performed at Invitae indicates that this missense variant is not expected to disrupt PTPN11 protein function with a negative predictive value of 95%. In summary, the available evidence is currently insufficient to determine the role of this variant in disease. Therefore, it has been classified as a Variant of Uncertain Significance.